The following is an entry in ClinVar:

NM_020822.3(KCNT1):c.2119C>T (p.Arg707Trp)

Gene: KCNT1 (potassium sodium-activated channel subfamily T member 1; plus strand). Cytogenetic location: 9q34.3.
Variant type: single nucleotide variant.
Coding change: c.2119C>T on transcript NM_020822.3 (MANE Select); coding-DNA position 2119, C replaced by T.
Protein change: p.Arg707Trp; replaces arginine 707 with tryptophan.
Molecular consequence: missense variant.
Genome position (GRCh38, 1-based): chr9:135,772,825, C>T. VCF-style: chr9-135772825-C-T. GRCh37 (hg19) VCF-style: chr9-138664671-C-T.
Other names: c.1984C>T, p.Arg662Trp (NM_001272003.2); short protein forms R707W, R662W.
Identifiers: ClinVar variation 412315 (VCV000412315.7), dbSNP rs568144711, ClinGen allele CA5327191.

ClinVar aggregate classification (germline): Uncertain significance (1 of 4 stars; one submission).

Conditions:
Developmental and epileptic encephalopathy, 14 (DEE14). Also called: Early infantile epileptic encephalopathy 14. Identifiers: Orphanet 293181, MedGen C3554195, MONDO:0013989, OMIM 614959.
Autosomal dominant nocturnal frontal lobe epilepsy 5. Also called: CILIARY DYSKINESIA, PRIMARY, 28, WITH SITUS INVERSUS; Epilepsy, nocturnal frontal lobe, 5; CILIARY DYSKINESIA, PRIMARY, 28, WITHOUT SITUS INVERSUS; KCNT1-Related Epilepsy. Identifiers: Orphanet 98784, MedGen C3554306, MONDO:0014002, OMIM 615005.

Allele frequency attached by ClinVar (database versions not stated): ExAC below 0.00001; TOPMed below 0.00001; gnomAD 0.00001 and 0.00003; 1000 Genomes Project 30x 0.00016; 1000 Genomes Project 0.00040.

Submission:

Labcorp Genetics (formerly Invitae), Labcorp
Classification: Uncertain significance for Autosomal dominant nocturnal frontal lobe epilepsy 5; Developmental and epileptic encephalopathy, 14. Last evaluated: 2024-03-28. Review status: criteria provided, single submitter. Criteria: Invitae Variant Classification Sherloc (09022015). Collection method: clinical testing. Allele origin: germline.
Comment: This sequence change replaces arginine, which is basic and polar, with tryptophan, which is neutral and slightly polar, at codon 707 of the KCNT1 protein (p.Arg707Trp). The frequency data for this variant in the population databases is considered unreliable, as metrics indicate poor data quality at this position in the gnomAD database. This variant has not been reported in the literature in individuals affected with KCNT1-related conditions. ClinVar contains an entry for this variant (Variation ID: 412315). Advanced modeling of protein sequence and biophysical properties (such as structural, functional, and spatial information, amino acid conservation, physicochemical variation, residue mobility, and thermodynamic stability) has been performed at Invitae for this missense variant, however the output from this modeling did not meet the statistical confidence thresholds required to predict the impact of this variant on KCNT1 protein function. In summary, the available evidence is currently insufficient to determine the role of this variant in disease. Therefore, it has been classified as a Variant of Uncertain Significance.